The following is an entry in ClinVar:

ClinVar aggregate classification (germline): Uncertain significance. Review status: criteria provided, multiple submitters, no conflicts (2 of 4 stars). 2 submissions from 2 submitters: Uncertain significance (2). Last evaluated 2025-07-17.

Conditions:
Cardiovascular phenotype. Identifiers: MedGen CN230736.
Arrhythmogenic right ventricular dysplasia 12. Also called: ARRHYTHMOGENIC RIGHT VENTRICULAR DYSPLASIA, FAMILIAL, 12. Identifiers: MedGen C1969081, MONDO:0012684, OMIM 611528.
Naxos disease (NXD). Also called: PALMOPLANTAR KERATODERMA WITH ARRHYTHMOGENIC RIGHT VENTRICULAR CARDIOMYOPATHY AND WOOLLY HAIR; KERATOSIS PALMOPLANTARIS WITH ARRHYTHMOGENIC CARDIOMYOPATHY; MAL DE NAXOS; WOOLLY HAIR, PALMOPLANTAR KERATODERMA, AND CARDIAC ABNORMALITIES; CARDIOMYOPATHY, ARRHYTHMOGENIC RIGHT VENTRICULAR, WITH SKIN, HAIR, AND NAIL ABNORMALITIES. Identifiers: Orphanet 34217, MedGen C1832600, MONDO:0011017, OMIM 601214.

Allele frequency attached by ClinVar (database versions not stated): gnomAD exomes below 0.00001.
gnomAD v4.1: 1 of 1,613,130 alleles (0.000062%); highest among the groups gnomAD compares: Non-Finnish European, 0.000085%; no homozygotes.

Submissions (2):

Ambry Genetics
Classification: Uncertain significance for Cardiovascular phenotype. Last evaluated: 2025-07-17. Review status: criteria provided, single submitter. Criteria: Ambry Variant Classification Scheme 2023. Collection method: clinical testing. Allele origin: germline.
Comment: The p.D198A variant (also known as c.593A>C), located in coding exon 3 of the JUP gene, results from an A to C substitution at nucleotide position 593. The aspartic acid at codon 198 is replaced by alanine, an amino acid with dissimilar properties. This amino acid position is highly conserved in available vertebrate species. In addition, this alteration is predicted to be deleterious by in silico analysis. Based on the available evidence, the clinical significance of this variant remains unclear.

Labcorp Genetics (formerly Invitae), Labcorp
Classification: Uncertain significance for Arrhythmogenic right ventricular dysplasia 12; Naxos disease. Last evaluated: 2022-03-13. Review status: criteria provided, single submitter. Criteria: Invitae Variant Classification Sherloc (09022015). Collection method: clinical testing. Allele origin: germline.
Comment: In summary, the available evidence is currently insufficient to determine the role of this variant in disease. Therefore, it has been classified as a Variant of Uncertain Significance. Algorithms developed to predict the effect of missense changes on protein structure and function are either unavailable or do not agree on the potential impact of this missense change (SIFT: "Deleterious"; PolyPhen-2: "Probably Damaging"; Align-GVGD: "Class C0"). ClinVar contains an entry for this variant (Variation ID: 1040124). This variant has not been reported in the literature in individuals affected with JUP-related conditions. This variant is not present in population databases (gnomAD no frequency). This sequence change replaces aspartic acid, which is acidic and polar, with alanine, which is neutral and non-polar, at codon 198 of the JUP protein (p.Asp198Ala).

NM_002230.4(JUP):c.593A>C (p.Asp198Ala)

Gene: JUP (junction plakoglobin; minus strand). Cytogenetic location: 17q21.2.
Variant type: single nucleotide variant.
Coding change: c.593A>C on transcript NM_002230.4 (MANE Select); coding-DNA position 593, A replaced by C.
Protein change: p.Asp198Ala; replaces aspartic acid 198 with alanine.
Molecular consequence: missense variant.
Genome position (GRCh38, 1-based): chr17:41,769,083, T>G on the plus strand (A>C on the coding strand, the complement: JUP is on the minus strand). VCF-style: chr17-41769083-T-G. GRCh37 (hg19) VCF-style: chr17-39925335-T-G.
Other names: c.593A>C (NM_002230.2); c.593A>C, p.Asp198Ala (NM_001352773.2, NM_001352774.2, NM_001352775.2 and 3 more transcripts); short protein forms D198A.
Identifiers: ClinVar variation 1040124 (VCV001040124.9), dbSNP rs1916158675, ClinGen allele CA399503062.